The following is an entry in ClinVar:

NM_001384732.1(CPLANE1):c.7916A>T (p.Gln2639Leu)

Gene: CPLANE1 (ciliogenesis and planar polarity effector complex subunit 1; minus strand). Cytogenetic location: 5p13.2.
Variant type: single nucleotide variant.
Coding change: c.7916A>T on transcript NM_001384732.1 (MANE Select); coding-DNA position 7916, A replaced by T.
Protein change: p.Gln2639Leu; replaces glutamine 2639 with leucine.
Molecular consequence: missense variant.
Genome position (GRCh38, 1-based): chr5:37,157,765, T>A on the plus strand (A>T on the coding strand, the complement: CPLANE1 is on the minus strand). VCF-style: chr5-37157765-T-A. GRCh37 (hg19) VCF-style: chr5-37157867-T-A.
Other names: p.Gln2621Leu; c.7862A>T, p.Gln2621Leu (NM_023073.4); c.7862A>T (NM_023073.3); short protein forms Q2621L, Q2639L.
Identifiers: ClinVar variation 1969199 (VCV001969199.5), dbSNP rs909028294, ClinGen allele CA117045551.

ClinVar aggregate classification (germline): Uncertain significance. Review status: criteria provided, multiple submitters, no conflicts (2 of 4 stars). 2 submissions from 2 submitters: Uncertain significance (2). Last evaluated 2025-12-08.

Allele frequency attached by ClinVar (database versions not stated): TOPMed 0.00001; gnomAD exomes 0.00001.
gnomAD v4.1: 7 of 1,613,922 alleles (0.00043%); highest among the groups gnomAD compares: Non-Finnish European, 0.00059%; no homozygotes.

Submissions (2):

Mayo Clinic Laboratories, Mayo Clinic
Classification: Uncertain significance. Last evaluated: 2025-12-08. Review status: criteria provided, single submitter. Criteria: ACMG Guidelines, 2015. Collection method: clinical testing. Allele origin: germline. Observed: 1 variant allele.
Comment: BP4_moderate, PM2_supporting

Labcorp Genetics (formerly Invitae), Labcorp
Classification: Uncertain significance. Last evaluated: 2024-10-29. Review status: criteria provided, single submitter. Criteria: Invitae Variant Classification Sherloc (09022015). Collection method: clinical testing. Allele origin: germline.
Comment: This sequence change replaces glutamine, which is neutral and polar, with leucine, which is neutral and non-polar, at codon 2621 of the CPLANE1 protein (p.Gln2621Leu). This variant is present in population databases (no rsID available, gnomAD 0.0009%). This variant has not been reported in the literature in individuals affected with CPLANE1-related conditions. ClinVar contains an entry for this variant (Variation ID: 1969199). Invitae Evidence Modeling of protein sequence and biophysical properties (such as structural, functional, and spatial information, amino acid conservation, physicochemical variation, residue mobility, and thermodynamic stability) indicates that this missense variant is not expected to disrupt CPLANE1 protein function with a negative predictive value of 95%. In summary, the available evidence is currently insufficient to determine the role of this variant in disease. Therefore, it has been classified as a Variant of Uncertain Significance.